The following is an entry in ClinVar:

ClinVar aggregate classification (germline): Uncertain significance (1 of 4 stars; one submission).

gnomAD v4.1: 3 of 1,614,010 alleles (0.00019%); highest among the groups gnomAD compares: African/African-American, 0.004%; no homozygotes.

Submission:

GeneDx
Classification: Uncertain significance. Last evaluated: 2025-07-28. Review status: criteria provided, single submitter. Criteria: GeneDx Variant Classification Process June 2021. Collection method: clinical testing. Allele origin: germline. Affected: yes.
Comment: Has not been previously published as pathogenic or benign to our knowledge; In silico analysis is inconclusive as to whether the variant alters gene splicing. In the absence of RNA/functional studies, the actual effect of this sequence change is unknown.

NM_203447.4(DOCK8):c.3840G>A (p.Leu1280=)

Gene: DOCK8 (dedicator of cytokinesis 8; plus strand). Cytogenetic location: 9p24.3.
Variant type: single nucleotide variant.
Coding change: c.3840G>A on transcript NM_203447.4 (MANE Select); coding-DNA position 3840, G replaced by A.
Protein change: p.Leu1280=; no amino-acid change (leucine 1280 retained).
Molecular consequence: synonymous variant.
Genome position (GRCh38, 1-based): chr9:418,207, G>A. VCF-style: chr9-418207-G-A. GRCh37 (hg19) VCF-style: chr9-418207-G-A.
Other names: c.3540G>A, p.Leu1180= (NM_001190458.2); c.3636G>A, p.Leu1212= (NM_001193536.2).
Identifiers: ClinVar variation 4689857 (VCV004689857.1).